The following is an entry in ClinVar:

NM_024105.4(ALG12):c.1069G>A (p.Ala357Thr)

Gene: ALG12 (ALG12 alpha-1,6-mannosyltransferase; minus strand). Cytogenetic location: 22q13.33.
Variant type: single nucleotide variant.
Coding change: c.1069G>A on transcript NM_024105.4 (MANE Select); coding-DNA position 1069, G replaced by A.
Protein change: p.Ala357Thr; replaces alanine 357 with threonine.
Molecular consequence: missense variant.
Genome position (GRCh38, 1-based): chr22:49,904,430, C>T on the plus strand (G>A on the coding strand, the complement: ALG12 is on the minus strand). VCF-style: chr22-49904430-C-T. GRCh37 (hg19) VCF-style: chr22-50298078-C-T.
Other names: short protein forms A357T.
Identifiers: ClinVar variation 2044649 (VCV002044649.5), dbSNP rs778740717, ClinGen allele CA10300352.

ClinVar aggregate classification (germline): Uncertain significance. Review status: criteria provided, multiple submitters, no conflicts (2 of 4 stars). 2 submissions from 2 submitters: Uncertain significance (2). Last evaluated 2024-01-16.

Conditions:
Inborn genetic diseases. Identifiers: MedGen C0950123, MeSH D030342.
ALG12-congenital disorder of glycosylation (CDG1G). Also called: Congenital disorder of glycosylation, type Ig; ALG12-CDG; CDG Ig. Identifiers: Orphanet 79324, MedGen C2931001, MONDO:0011783, OMIM 607143.

Allele frequency attached by ClinVar (database versions not stated): TOPMed below 0.00001; gnomAD 0.00001; gnomAD exomes 0.00001; ExAC 0.00002.

Submissions (2):

Ambry Genetics
Classification: Uncertain significance for Inborn genetic diseases. Last evaluated: 2024-01-16. Review status: criteria provided, single submitter. Criteria: Ambry Variant Classification Scheme 2023. Collection method: clinical testing. Allele origin: germline.

Labcorp Genetics (formerly Invitae), Labcorp
Classification: Uncertain significance for ALG12-congenital disorder of glycosylation. Last evaluated: 2021-12-22. Review status: criteria provided, single submitter. Criteria: Invitae Variant Classification Sherloc (09022015). Collection method: clinical testing. Allele origin: germline.
Comment: This variant has not been reported in the literature in individuals affected with ALG12-related conditions. In summary, the available evidence is currently insufficient to determine the role of this variant in disease. Therefore, it has been classified as a Variant of Uncertain Significance. Algorithms developed to predict the effect of missense changes on protein structure and function output the following: SIFT: "Tolerated"; PolyPhen-2: "Benign"; Align-GVGD: "Class C0". The threonine amino acid residue is found in multiple mammalian species, which suggests that this missense change does not adversely affect protein function. This variant is present in population databases (rs778740717, gnomAD 0.003%). This sequence change replaces alanine, which is neutral and non-polar, with threonine, which is neutral and polar, at codon 357 of the ALG12 protein (p.Ala357Thr).